The following is an entry in ClinVar:

NM_031935.3(HMCN1):c.3626G>A (p.Ser1209Asn)

Gene: HMCN1 (hemicentin 1; plus strand). Cytogenetic location: 1q31.1.
Variant type: single nucleotide variant.
Coding change: c.3626G>A on transcript NM_031935.3 (MANE Select); coding-DNA position 3626, G replaced by A.
Protein change: p.Ser1209Asn; replaces serine 1209 with asparagine.
Molecular consequence: missense variant.
Genome position (GRCh38, 1-based): chr1:185,994,935, G>A. VCF-style: chr1-185994935-G-A. GRCh37 (hg19) VCF-style: chr1-185964067-G-A.
Other names: short protein forms S1209N.
Identifiers: ClinVar variation 4694444 (VCV004694444.1).

ClinVar aggregate classification (germline): Uncertain significance (1 of 4 stars; one submission).

Submission:

Labcorp Genetics (formerly Invitae), Labcorp
Classification: Uncertain significance. Last evaluated: 2026-01-26. Review status: criteria provided, single submitter. Criteria: Invitae Variant Classification Sherloc (09022015). Collection method: clinical testing. Allele origin: germline.
Comment: This sequence change replaces serine, which is neutral and polar, with asparagine, which is neutral and polar, at codon 1209 of the HMCN1 protein (p.Ser1209Asn). This variant is not present in population databases (gnomAD no frequency). This variant has not been reported in the literature in individuals affected with HMCN1-related conditions. An algorithm developed to predict the effect of missense changes on protein structure and function outputs the following: PolyPhen-2: "Benign". The asparagine amino acid residue is found in multiple mammalian species, which suggests that this missense change does not adversely affect protein function. In summary, the available evidence is currently insufficient to determine the role of this variant in disease. Therefore, it has been classified as a Variant of Uncertain Significance.